The following is an entry in ClinVar:

NM_002180.3(IGHMBP2):c.1581C>T (p.Asp527=)

Genes: IGHMBP2 (immunoglobulin mu DNA binding protein 2; plus strand), LOC126861245 (CDK7 strongly-dependent group 2 enhancer GRCh37_chr11:68701479-68702678; plus strand). Cytogenetic location: 11q13.3.
Variant type: single nucleotide variant.
Coding change: c.1581C>T on transcript NM_002180.3 (MANE Select); coding-DNA position 1581, C replaced by T.
Protein change: p.Asp527=; no amino-acid change (aspartic acid 527 retained).
Molecular consequence: synonymous variant.
Genome position (GRCh38, 1-based): chr11:68,934,507, C>T. VCF-style: chr11-68934507-C-T. GRCh37 (hg19) VCF-style: chr11-68701975-C-T.
Identifiers: ClinVar variation 497345 (VCV000497345.19), dbSNP rs149736203, ClinGen allele CA6153709.

ClinVar aggregate classification (germline): Benign/Likely benign. Review status: criteria provided, multiple submitters, no conflicts (2 of 4 stars). 5 submissions from 5 submitters: Benign (2); Likely benign (3). Last evaluated 2025-12-06.

Conditions:
IGHMBP2-related disorder. Also called: IGHMBP2-related disorders; IGHMBP2-related condition.
Inborn genetic diseases. Identifiers: MedGen C0950123, MeSH D030342.
Charcot-Marie-Tooth disease axonal type 2S. Also called: CHARCOT-MARIE-TOOTH DISEASE, AXONAL, AUTOSOMAL RECESSIVE, TYPE 2S; CHARCOT-MARIE-TOOTH NEUROPATHY, TYPE 2S. Identifiers: Orphanet 443073, MedGen C4015349, MONDO:0014511, OMIM 616155.
Autosomal recessive distal spinal muscular atrophy 1. Also called: HMN VI; SEVERE INFANTILE AXONAL NEUROPATHY WITH RESPIRATORY FAILURE; SPINAL MUSCULAR ATROPHY, DIAPHRAGMATIC; NEURONOPATHY, SEVERE INFANTILE AXONAL, WITH RESPIRATORY FAILURE; Spinal muscular atrophy with respiratory distress 1; NEURONOPATHY, DISTAL HEREDITARY MOTOR, HARDING TYPE VI. Identifiers: Orphanet 98920, MedGen C1858517, MONDO:0011436, OMIM 604320.

Allele frequency attached by ClinVar (database versions not stated): gnomAD exomes 0.00017 and 0.00035; TOPMed 0.00021; ESP Exome Variant Server 0.00023; gnomAD 0.00026 and 0.00038; ExAC 0.00046; 1000 Genomes Project 30x 0.00203; 1000 Genomes Project 0.00240.
gnomAD v4.1: 299 of 1,612,826 alleles (0.019%); highest among the groups gnomAD compares: South Asian, 0.24%; 5 homozygotes.

Submissions (5):

Labcorp Genetics (formerly Invitae), Labcorp
Classification: Benign for Autosomal recessive distal spinal muscular atrophy 1; Charcot-Marie-Tooth disease axonal type 2S. Last evaluated: 2025-12-06. Review status: criteria provided, single submitter. Criteria: Invitae Variant Classification Sherloc (09022015). Collection method: clinical testing. Allele origin: germline.

PreventionGenetics, part of Exact Sciences
Classification: Likely benign for IGHMBP2-related condition. Last evaluated: 2025-05-13. Review status: criteria provided, single submitter. Criteria: ACMG Guidelines, 2015. Collection method: clinical testing. Allele origin: germline.
Comment: This variant is classified as likely benign based on ACMG/AMP sequence variant interpretation guidelines (Richards et al. 2015 PMID: 25741868, with internal and published modifications).

Ambry Genetics
Classification: Likely benign for Inborn genetic diseases. Last evaluated: 2019-07-11. Review status: criteria provided, single submitter. Criteria: Ambry Variant Classification Scheme 2023. Collection method: clinical testing. Allele origin: germline.

GeneDx
Classification: Likely benign. Last evaluated: 2017-07-07. Review status: criteria provided, single submitter. Criteria: GeneDx Variant Classification (06012015). Collection method: clinical testing. Allele origin: germline. Affected: yes.
Comment: This variant is considered likely benign or benign based on one or more of the following criteria: it is a conservative change, it occurs at a poorly conserved position in the protein, it is predicted to be benign by multiple in silico algorithms, and/or has population frequency not consistent with disease.

Eurofins Ntd Llc (ga)
Classification: Benign. Last evaluated: 2016-09-30. Review status: criteria provided, single submitter. Criteria: EGL Classification Definitions 2015. Collection method: clinical testing. Allele origin: germline. Observed: 1 variant allele, 1 heterozygote.